The following is an entry in ClinVar:

NM_000219.6(KCNE1):c.213G>A (p.Leu71=)

Gene: KCNE1 (potassium voltage-gated channel subfamily E regulatory subunit 1; minus strand). Cytogenetic location: 21q22.12.
Variant type: single nucleotide variant.
Coding change: c.213G>A on transcript NM_000219.6 (MANE Select); coding-DNA position 213, G replaced by A.
Protein change: p.Leu71=; no amino-acid change (leucine 71 retained).
Molecular consequence: synonymous variant.
Genome position (GRCh38, 1-based): chr21:34,449,422, C>T on the plus strand (G>A on the coding strand, the complement: KCNE1 is on the minus strand). VCF-style: chr21-34449422-C-T. GRCh37 (hg19) VCF-style: chr21-35821720-C-T.
Other names: c.213G>A, p.Leu71= (NM_001127668.4, NM_001127669.4, NM_001127670.4 and 4 more transcripts).
Identifiers: ClinVar variation 3374343 (VCV003374343.2).

Conditions:
Long QT syndrome 5 (LQT5). Identifiers: Orphanet 101016, Orphanet 768, MedGen C1867904, MONDO:0013372, OMIM 613695.

Submission:

Roden Lab, Vanderbilt University Medical Center
No classification provided (evidence only). Condition: Long QT syndrome 5. Review status: no classification provided. Collection method: in vitro. Allele origin: not applicable. Functional consequence: Effect on ion channel function.
ClinVar note: "not provided" was previously submitted as the classification for the variant. However, the classification appeared to be based only on an observation of functional data so it was converted to no classification on 2025-07-30.